The following is an entry in ClinVar:

ClinVar aggregate classification (germline): Uncertain significance. Review status: criteria provided, multiple submitters, no conflicts (2 of 4 stars). 2 submissions from 2 submitters: Uncertain significance (2). Last evaluated 2023-03-05.

Conditions:
Birt-Hogg-Dube syndrome. Also called: Birt Hogg Dubé syndrome. Identifiers: Orphanet 122, MedGen C0346010, MONDO:0800444.
Hereditary cancer-predisposing syndrome. Also called: Neoplastic Syndromes, Hereditary; Hereditary Cancer Syndrome; Hereditary neoplastic syndrome; Tumor predisposition. Identifiers: Orphanet 140162, MedGen C0027672, MeSH D009386, MONDO:0015356.

Submissions (2):

Ambry Genetics
Classification: Uncertain significance for Hereditary cancer-predisposing syndrome. Last evaluated: 2023-03-05. Review status: criteria provided, single submitter. Criteria: Ambry Variant Classification Scheme 2023. Collection method: clinical testing. Allele origin: germline.
Comment: The p.H564P variant (also known as c.1691A>C), located in coding exon 11 of the FLCN gene, results from an A to C substitution at nucleotide position 1691. The histidine at codon 564 is replaced by proline, an amino acid with similar properties. This amino acid position is conserved. In addition, this alteration is predicted to be deleterious by in silico analysis. Since supporting evidence is limited at this time, the clinical significance of this alteration remains unclear.

Labcorp Genetics (formerly Invitae), Labcorp
Classification: Uncertain significance for Birt-Hogg-Dube syndrome. Last evaluated: 2022-04-29. Review status: criteria provided, single submitter. Criteria: Invitae Variant Classification Sherloc (09022015). Collection method: clinical testing. Allele origin: germline.
Comment: In summary, the available evidence is currently insufficient to determine the role of this variant in disease. Therefore, it has been classified as a Variant of Uncertain Significance. Algorithms developed to predict the effect of missense changes on protein structure and function are either unavailable or do not agree on the potential impact of this missense change (SIFT: "Deleterious"; PolyPhen-2: "Possibly Damaging"; Align-GVGD: "Class C0"). This variant has not been reported in the literature in individuals affected with FLCN-related conditions. This variant is not present in population databases (gnomAD no frequency). This sequence change replaces histidine, which is basic and polar, with proline, which is neutral and non-polar, at codon 564 of the FLCN protein (p.His564Pro).

NM_144997.7(FLCN):c.1691A>C (p.His564Pro)

Gene: FLCN (folliculin; minus strand). Cytogenetic location: 17p11.2.
Variant type: single nucleotide variant.
Coding change: c.1691A>C on transcript NM_144997.7 (MANE Select); coding-DNA position 1691, A replaced by C.
Protein change: p.His564Pro; replaces histidine 564 with proline.
Molecular consequence: missense variant.
Genome position (GRCh38, 1-based): chr17:17,213,704, T>G on the plus strand (A>C on the coding strand, the complement: FLCN is on the minus strand). VCF-style: chr17-17213704-T-G. GRCh37 (hg19) VCF-style: chr17-17117018-T-G.
Other names: c.1745A>C, p.His582Pro (NM_001353229.2); c.1691A>C, p.His564Pro (NM_001353230.2, NM_001353231.2); short protein forms H582P, H564P.
Identifiers: ClinVar variation 2157084 (VCV002157084.6), dbSNP rs2544122044, ClinGen allele CA398529842.